The following is an entry in ClinVar:

ClinVar aggregate classification (germline): Likely benign. Review status: criteria provided, multiple submitters, no conflicts (2 of 4 stars). 2 submissions from 2 submitters: Likely benign (2). Last evaluated 2025-02-28.

Conditions:
PLK4-related disorder. Also called: PLK4-related condition.

Allele frequency attached by ClinVar (database versions not stated): TOPMed below 0.00001; gnomAD 0.00001; gnomAD exomes 0.00001; ExAC 0.00002.
gnomAD v4.1: 5 of 1,614,072 alleles (0.00031%); highest among the groups gnomAD compares: East Asian, 0.0022%; no homozygotes.

Submissions (2):

PreventionGenetics, part of Exact Sciences
Classification: Likely benign for PLK4-related condition. Last evaluated: 2025-02-28. Review status: criteria provided, single submitter. Criteria: ACMG Guidelines, 2015. Collection method: clinical testing. Allele origin: germline.
Comment: This variant is classified as likely benign based on ACMG/AMP sequence variant interpretation guidelines (Richards et al. 2015 PMID: 25741868, with internal and published modifications).

Labcorp Genetics (formerly Invitae), Labcorp
Classification: Likely benign. Last evaluated: 2022-06-27. Review status: criteria provided, single submitter. Criteria: Invitae Variant Classification Sherloc (09022015). Collection method: clinical testing. Allele origin: germline.

NM_014264.5(PLK4):c.729C>T (p.His243=)

Gene: PLK4 (polo like kinase 4; plus strand). Cytogenetic location: 4q28.1.
Variant type: single nucleotide variant.
Coding change: c.729C>T on transcript NM_014264.5 (MANE Select); coding-DNA position 729, C replaced by T.
Protein change: p.His243=; no amino-acid change (histidine 243 retained).
Molecular consequence: synonymous variant.
Genome position (GRCh38, 1-based): chr4:127,886,099, C>T. VCF-style: chr4-127886099-C-T. GRCh37 (hg19) VCF-style: chr4-128807254-C-T.
Other names: c.729C>T (NM_014264.4); c.633C>T, p.His211= (NM_001190799.2); c.606C>T, p.His202= (NM_001190801.2).
Identifiers: ClinVar variation 1622431 (VCV001622431.9), dbSNP rs769394152, ClinGen allele CA3076625.